The following is an entry in ClinVar:

NM_024675.4(PALB2):c.480A>T (p.Arg160Ser)

Gene: PALB2 (partner and localizer of BRCA2; minus strand). Cytogenetic location: 16p12.2.
Variant type: single nucleotide variant.
Coding change: c.480A>T on transcript NM_024675.4 (MANE Select); coding-DNA position 480, A replaced by T.
Protein change: p.Arg160Ser; replaces arginine 160 with serine.
Molecular consequence: missense variant. On other transcripts: 5 prime UTR variant (8), intron variant (3).
Genome position (GRCh38, 1-based): chr16:23,636,066, T>A on the plus strand (A>T on the coding strand, the complement: PALB2 is on the minus strand). VCF-style: chr16-23636066-T-A. GRCh37 (hg19) VCF-style: chr16-23647387-T-A.
Other names: c.420A>T, p.Arg140Ser (NM_001407296.1); c.480A>T, p.Arg160Ser (NM_001407297.1, NM_001407298.1, NM_001407299.1 and 3 more transcripts); c.-406A>T (NM_001407304.1, NM_001407305.1, NM_001407306.1 and 5 more transcripts); c.48+5044A>T (NM_001407314.1); c.-105+5044A>T (NM_001407313.1, NM_001407312.1); short protein forms R140S, R160S.
Identifiers: ClinVar variation 4805113 (VCV004805113.1).

ClinVar aggregate classification (germline): Uncertain significance (1 of 4 stars; one submission).

Conditions:
Familial cancer of breast. Also called: BREAST CANCER, FAMILIAL; Hereditary breast cancer; hereditary breast carcinoma. Identifiers: Orphanet 227535, MedGen C0346153, MONDO:0016419, OMIM 114480. Disease mechanism: loss of function.

Submission:

Labcorp Genetics (formerly Invitae), Labcorp
Classification: Uncertain significance for Familial cancer of breast. Last evaluated: 2025-05-20. Review status: criteria provided, single submitter. Criteria: Invitae Variant Classification Sherloc (09022015). Collection method: clinical testing. Allele origin: germline.
Comment: This sequence change replaces arginine, which is basic and polar, with serine, which is neutral and polar, at codon 160 of the PALB2 protein (p.Arg160Ser). This variant is not present in population databases (gnomAD no frequency). This variant has not been reported in the literature in individuals affected with PALB2-related conditions. An algorithm developed to predict the effect of missense changes on protein structure and function (PolyPhen-2) suggests that this variant is likely to be tolerated. In summary, the available evidence is currently insufficient to determine the role of this variant in disease. Therefore, it has been classified as a Variant of Uncertain Significance.